The following is an entry in ClinVar:

ClinVar aggregate classification (germline): Uncertain significance (1 of 4 stars; one submission).

Allele frequency attached by ClinVar (database versions not stated): gnomAD exomes below 0.00001 and 0.00001; gnomAD 0.00001; ExAC 0.00002; 1000 Genomes Project 30x 0.00031; 1000 Genomes Project 0.00040.
gnomAD v4.1: 9 of 1,614,198 alleles (0.00056%); highest among the groups gnomAD compares: South Asian, 0.0099%; 1 homozygote.

Submission:

Labcorp Genetics (formerly Invitae), Labcorp
Classification: Uncertain significance. Last evaluated: 2020-11-24. Review status: criteria provided, single submitter. Criteria: Invitae Variant Classification Sherloc (09022015). Collection method: clinical testing. Allele origin: germline.
Comment: In summary, the available evidence is currently insufficient to determine the role of this variant in disease. Therefore, it has been classified as a Variant of Uncertain Significance. Algorithms developed to predict the effect of missense changes on protein structure and function (SIFT, PolyPhen-2, Align-GVGD) all suggest that this variant is likely to be tolerated, but these predictions have not been confirmed by published functional studies and their clinical significance is uncertain. This variant has not been reported in the literature in individuals with TNFRSF11A-related disease. This variant is present in population databases (rs562689512, ExAC 0.01%). This sequence change replaces glycine with arginine at codon 315 of the TNFRSF11A protein (p.Gly315Arg). The glycine residue is weakly conserved and there is a moderate physicochemical difference between glycine and arginine.

NM_003839.4(TNFRSF11A):c.943G>C (p.Gly315Arg)

Gene: TNFRSF11A (TNF receptor superfamily member 11a; plus strand). Cytogenetic location: 18q21.33.
Variant type: single nucleotide variant.
Coding change: c.943G>C on transcript NM_003839.4 (MANE Select); coding-DNA position 943, G replaced by C.
Protein change: p.Gly315Arg; replaces glycine 315 with arginine.
Molecular consequence: missense variant. On other transcripts: intron variant (3).
Genome position (GRCh38, 1-based): chr18:62,368,860, G>C. VCF-style: chr18-62368860-G-C. GRCh37 (hg19) VCF-style: chr18-60036093-G-C.
Other names: c.901G>C, p.Gly301Arg (NM_001278268.2); c.783+2100G>C (NM_001270949.2); c.730+7067G>C (NM_001270950.2); c.616+8811G>C (NM_001270951.2); short protein forms G301R, G315R.
Identifiers: ClinVar variation 1440553 (VCV001440553.8), dbSNP rs562689512, ClinGen allele CA8983892.
Genomic context (GRCh38, chr18:62,368,860, plus strand): 5'-TTTCCAGAAGATATGTGCTACCCAGATCAAGGTGGTGTCTGTCAGGGCACATGTGTAGGA[G>C]GTGGTCCCTACGCACAAGGCGAAGATGCCAGGATGCTCTCATTGGTCAGCAAGACCGAGA-3'
Protein context (NP_003830.1, residues 305-325): GGVCQGTCVG[Gly315Arg]GPYAQGEDAR